The following is an entry in ClinVar:

ClinVar aggregate classification (germline): Uncertain significance (1 of 4 stars; one submission).

Conditions:
Multiple sulfatase deficiency (MSD). Also called: Multiple Sulfatase Deficiency Disease; Sulfatidosis, Juvenile, Austin Type; Mucosulfatidosis. Identifiers: Orphanet 585, MedGen C0268263, MONDO:0010088, OMIM 272200.

Allele frequency attached by ClinVar (database versions not stated): gnomAD 0.00001; gnomAD exomes 0.00004.
gnomAD v4.1: 58 of 1,613,370 alleles (0.0036%); highest among the groups gnomAD compares: Non-Finnish European, 0.0048%; no homozygotes.

Submission:

Labcorp Genetics (formerly Invitae), Labcorp
Classification: Uncertain significance for Multiple sulfatase deficiency. Last evaluated: 2024-03-04. Review status: criteria provided, single submitter. Criteria: Invitae Variant Classification Sherloc (09022015). Collection method: clinical testing. Allele origin: germline.
Comment: This sequence change replaces valine, which is neutral and non-polar, with isoleucine, which is neutral and non-polar, at codon 281 of the SUMF1 protein (p.Val281Ile). This variant is present in population databases (no rsID available, gnomAD 0.003%). This variant has not been reported in the literature in individuals affected with SUMF1-related conditions. ClinVar contains an entry for this variant (Variation ID: 2176301). An algorithm developed to predict the effect of missense changes on protein structure and function (PolyPhen-2) suggests that this variant is likely to be disruptive. In summary, the available evidence is currently insufficient to determine the role of this variant in disease. Therefore, it has been classified as a Variant of Uncertain Significance.

NM_182760.4(SUMF1):c.841G>A (p.Val281Ile)

Gene: SUMF1 (sulfatase modifying factor 1; minus strand). Cytogenetic location: 3p26.1.
Variant type: single nucleotide variant.
Coding change: c.841G>A on transcript NM_182760.4 (MANE Select); coding-DNA position 841, G replaced by A.
Protein change: p.Val281Ile; replaces valine 281 with isoleucine.
Molecular consequence: missense variant.
Genome position (GRCh38, 1-based): chr3:4,410,978, C>T on the plus strand (G>A on the coding strand, the complement: SUMF1 is on the minus strand). VCF-style: chr3-4410978-C-T. GRCh37 (hg19) VCF-style: chr3-4452662-C-T.
Other names: c.766G>A, p.Val256Ile (NM_001164674.2); c.841G>A, p.Val281Ile (NM_001164675.2); short protein forms V256I, V281I.
Identifiers: ClinVar variation 2176301 (VCV002176301.3), dbSNP rs1269294760, ClinGen allele CA351631571.